The following is an entry in ClinVar:

NC_000017.10:g.(?_29559879)_(29685283_?)del

Genes: EVI2A (ecotropic viral integration site 2A; minus strand), EVI2B (ecotropic viral integration site 2B; minus strand), NF1 (neurofibromin 1; plus strand), OMG (oligodendrocyte myelin glycoprotein; minus strand). Cytogenetic location: 17q11.2.
Variant type: Deletion.
Identifiers: ClinVar variation 2422742 (VCV002422742.4).

ClinVar aggregate classification (germline): Pathogenic (1 of 4 stars; one submission).

Conditions:
Neurofibromatosis, type 1 (NF1). Also called: Peripheral type neurofibromatosis; VON RECKLINGHAUSEN DISEASE; NEUROFIBROMATOSIS, TYPE I, SOMATIC; Neurofibromatosis, type I. Identifiers: Orphanet 636, MedGen C0027831, MONDO:0018975, OMIM 162200. Disease mechanism: loss of function.

Submission:

Labcorp Genetics (formerly Invitae), Labcorp
Classification: Pathogenic for Neurofibromatosis, type 1. Last evaluated: 2022-08-30. Review status: criteria provided, single submitter. Criteria: Invitae Variant Classification Sherloc (09022015). Collection method: clinical testing. Allele origin: germline.
Comment: This variant has not been reported in the literature in individuals affected with NF1-related conditions. This variant results in the deletion of exons 27-53 and part of exon 26 (c.3476_7908-215del) of the NF1 gene. It is expected to disrupt RNA splicing. Variants that disrupt the donor or acceptor splice site typically lead to a loss of protein function (PMID: 16199547), and loss-of-function variants in NF1 are known to be pathogenic (PMID: 10712197, 23913538). This variant disrupts a region of the NF1 protein in which other variant(s) (p.Arg1204Trp) have been determined to be pathogenic (PMID: 10607834, 22807134, 26635368). This suggests that this is a clinically significant region of the protein, and that variants that disrupt it are likely to be disease-causing. For these reasons, this variant has been classified as Pathogenic.

Literature cited by the submitters: PubMed 16199547; PubMed 10712197; PubMed 23913538; PubMed 10607834; PubMed 22807134; PubMed 26635368.